The following is an entry in ClinVar:

NM_004075.5(CRY1):c.653T>G (p.Leu218Arg)

Gene: CRY1 (cryptochrome circadian regulator 1; minus strand). Cytogenetic location: 12q23.3.
Variant type: single nucleotide variant.
Coding change: c.653T>G on transcript NM_004075.5 (MANE Select); coding-DNA position 653, T replaced by G.
Protein change: p.Leu218Arg; replaces leucine 218 with arginine.
Molecular consequence: missense variant. On other transcripts: non-coding transcript variant (2).
Genome position (GRCh38, 1-based): chr12:107,001,311, A>C on the plus strand (T>G on the coding strand, the complement: CRY1 is on the minus strand). VCF-style: chr12-107001311-A-C. GRCh37 (hg19) VCF-style: chr12-107395089-A-C.
Other names: c.653T>G, p.Leu218Arg (NM_001413460.1, NM_001413461.1, NM_001413462.1 and 2 more transcripts); c.647T>G, p.Leu216Arg (NM_001413463.1); c.569T>G, p.Leu190Arg (NM_001413464.1, NM_001413465.1); c.266T>G, p.Leu89Arg (NM_001413466.1); c.176T>G, p.Leu59Arg (NM_001413467.1, NM_001413468.1, NM_001413469.1 and 1 more transcripts); short protein forms L190R, L216R, L218R, L59R, L89R.
Identifiers: ClinVar variation 3905917 (VCV003905917.10).

ClinVar aggregate classification (germline): Uncertain significance (1 of 4 stars; one submission).

Submission:

CeGaT Center for Human Genetics Tuebingen
Classification: Uncertain significance. Last evaluated: 2025-05-01. Review status: criteria provided, single submitter. Criteria: CeGaT Center For Human Genetics Tuebingen Variant Classification Criteria Version 2. Collection method: clinical testing. Allele origin: germline. Affected: yes. Observed: 1 variant allele.
Comment: CRY1: PM2